The following is an entry in ClinVar:

ClinVar aggregate classification (germline): Benign. Review status: criteria provided, multiple submitters, no conflicts (2 of 4 stars). 3 submissions from 3 submitters: Benign (2). 1 of the submissions does not count toward it. Last evaluated 2026-02-01.

Conditions:
DOCK8-related disorder. Also called: DOCK8-related condition.
Combined immunodeficiency due to DOCK8 deficiency (HIES2). Also called: HIES autosomal recessive; HYPER-IgE SYNDROME 2, AUTOSOMAL RECESSIVE, WITH RECURRENT INFECTIONS; DOCK8 Deficiency; HYPER-IgE RECURRENT INFECTION SYNDROME 2, AUTOSOMAL RECESSIVE; Hyper-IgE recurrent infection syndrome, autosomal recessive. Identifiers: Orphanet 217390, MedGen C4722305, MONDO:0009478, OMIM 243700.

Allele frequency attached by ClinVar (database versions not stated): TOPMed 0.00001; gnomAD exomes 0.00084; ExAC 0.00099; 1000 Genomes Project 0.00180; 1000 Genomes Project 30x 0.00187.
gnomAD v4.1: 618 of 1,614,172 alleles (0.038%); highest among the groups gnomAD compares: South Asian, 0.64%; 7 homozygotes.

Submissions (3):

Labcorp Genetics (formerly Invitae), Labcorp
Classification: Benign for Combined immunodeficiency due to DOCK8 deficiency. Last evaluated: 2026-02-01. Review status: criteria provided, single submitter. Criteria: Invitae Variant Classification Sherloc (09022015). Collection method: clinical testing. Allele origin: germline.

Mayo Clinic Laboratories, Mayo Clinic
Classification: Benign. Last evaluated: 2020-08-13. Review status: criteria provided, single submitter. Criteria: ACMG Guidelines, 2015. Collection method: clinical testing. Allele origin: germline. Observed: 2 variant alleles.

PreventionGenetics, part of Exact Sciences
Classification: Likely benign for DOCK8-related condition. Last evaluated: 2020-06-01. Review status: no assertion criteria provided. Collection method: clinical testing. Allele origin: germline. Not counted in ClinVar's aggregate classification.
Comment: This variant is classified as likely benign based on ACMG/AMP sequence variant interpretation guidelines (Richards et al. 2015 PMID: 25741868, with internal and published modifications).

NM_203447.4(DOCK8):c.4588C>G (p.Leu1530Val)

Gene: DOCK8 (dedicator of cytokinesis 8; plus strand). Cytogenetic location: 9p24.3.
Variant type: single nucleotide variant.
Coding change: c.4588C>G on transcript NM_203447.4 (MANE Select); coding-DNA position 4588, C replaced by G.
Protein change: p.Leu1530Val; replaces leucine 1530 with valine.
Molecular consequence: missense variant.
Genome position (GRCh38, 1-based): chr9:429,816, C>G. VCF-style: chr9-429816-C-G. GRCh37 (hg19) VCF-style: chr9-429816-C-G.
Other names: p.Leu1530Val; c.4288C>G, p.Leu1430Val (NM_001190458.2); c.4384C>G, p.Leu1462Val (NM_001193536.2); short protein forms L1462V, L1530V, L1430V.
Identifiers: ClinVar variation 719427 (VCV000719427.13), dbSNP rs536373496, ClinGen allele CA4959134.